The following is an entry in ClinVar:

ClinVar aggregate classification (germline): Conflicting classifications of pathogenicity. Review status: criteria provided, conflicting classifications (1 of 4 stars). 4 submissions from 4 submitters: Uncertain significance (1); Likely benign (2). 1 of the submissions does not count toward it. Last evaluated 2026-01-28.

Conditions:
PEX6-related disorder. Also called: PEX6-related condition; PEX6-related disorders.
Peroxisome biogenesis disorder. Identifiers: Orphanet 79189, MedGen C1832200, MONDO:0019234. Disease mechanism: loss of function.

Allele frequency attached by ClinVar (database versions not stated): gnomAD exomes 0.00004; ExAC 0.00010; gnomAD 0.00024 and 0.00026; TOPMed 0.00026; 1000 Genomes Project 30x 0.00031.
gnomAD v4.1: 72 of 1,513,316 alleles (0.0048%); highest among the groups gnomAD compares: African/African-American, 0.088%; no homozygotes.

Submissions (4):

Labcorp Genetics (formerly Invitae), Labcorp
Classification: Likely benign for Peroxisome biogenesis disorder. Last evaluated: 2026-01-28. Review status: criteria provided, single submitter. Criteria: Invitae Variant Classification Sherloc (09022015). Collection method: clinical testing. Allele origin: germline.

Blueprint Genetics
Classification: Likely benign. Last evaluated: 2022-09-23. Review status: criteria provided, single submitter. Criteria: ACMG Guidelines, 2015. Collection method: clinical testing. Allele origin: germline.

Eurofins Ntd Llc (ga)
Classification: Uncertain significance. Last evaluated: 2017-06-15. Review status: criteria provided, single submitter. Criteria: EGL Classification Definitions 2015. Collection method: clinical testing. Allele origin: germline. Observed: 5 variant alleles, 5 heterozygotes.

PreventionGenetics, part of Exact Sciences
Classification: Likely benign for PEX6-related condition. Last evaluated: 2024-02-06. Review status: no assertion criteria provided. Collection method: clinical testing. Allele origin: germline. Not counted in ClinVar's aggregate classification.
Comment: This variant is classified as likely benign based on ACMG/AMP sequence variant interpretation guidelines (Richards et al. 2015 PMID: 25741868, with internal and published modifications).

NM_000287.4(PEX6):c.306G>T (p.Ala102=)

Gene: PEX6 (peroxisomal biogenesis factor 6; minus strand). Cytogenetic location: 6p21.1.
Variant type: single nucleotide variant.
Coding change: c.306G>T on transcript NM_000287.4 (MANE Select); coding-DNA position 306, G replaced by T.
Protein change: p.Ala102=; no amino-acid change (alanine 102 retained).
Molecular consequence: synonymous variant. On other transcripts: non-coding transcript variant (1).
Genome position (GRCh38, 1-based): chr6:42,978,845, C>A on the plus strand (G>T on the coding strand, the complement: PEX6 is on the minus strand). VCF-style: chr6-42978845-C-A. GRCh37 (hg19) VCF-style: chr6-42946583-C-A.
Other names: c.306G>T, p.Ala102= (NM_001316313.2).
Identifiers: ClinVar variation 167465 (VCV000167465.19), dbSNP rs727504083, ClinGen allele CA234546.
Genomic context (GRCh38, chr6:42,978,845, plus strand): 5'-CGGCCCGACTCGCGGTCCGAGCCCAGGCCCCAGCGAGGTGCCAAGCAGTGCCCAACCTAG[C>A]GCCGGGGGCCGCCGCACCGCCCGCGCCCGCACCCAGGCCCCGGAGCCCAGTGCCAGGAGC-3'
Protein context (NP_000278.3, residues 92-112): VRARAVRRPP[Ala102=]LGWALLGTSL